The following is an entry in ClinVar:

NM_020247.5(COQ8A):c.1055G>A (p.Gly352Asp)

Gene: COQ8A (coenzyme Q8A; plus strand). Cytogenetic location: 1q42.13.
Variant type: single nucleotide variant.
Coding change: c.1055G>A on transcript NM_020247.5 (MANE Select); coding-DNA position 1055, G replaced by A.
Protein change: p.Gly352Asp; replaces glycine 352 with aspartic acid.
Molecular consequence: missense variant.
Genome position (GRCh38, 1-based): chr1:226,983,009, G>A. VCF-style: chr1-226983009-G-A. GRCh37 (hg19) VCF-style: chr1-227170710-G-A.
Other names: short protein forms G352D.
Identifiers: ClinVar variation 1464552 (VCV001464552.6), dbSNP rs1172666352, ClinGen allele CA345053107.

ClinVar aggregate classification (germline): Uncertain significance (1 of 4 stars; one submission).

Allele frequency attached by ClinVar (database versions not stated): gnomAD exomes below 0.00001 and 0.00001; TOPMed 0.00001.
gnomAD v4.1: 2 of 1,592,560 alleles (0.00013%); highest among the groups gnomAD compares: Admixed American, 0.0035%; no homozygotes.

Submission:

Labcorp Genetics (formerly Invitae), Labcorp
Classification: Uncertain significance. Last evaluated: 2023-08-17. Review status: criteria provided, single submitter. Criteria: Invitae Variant Classification Sherloc (09022015). Collection method: clinical testing. Allele origin: germline.
Comment: Advanced modeling of protein sequence and biophysical properties (such as structural, functional, and spatial information, amino acid conservation, physicochemical variation, residue mobility, and thermodynamic stability) has been performed at Invitae for this missense variant, however the output from this modeling did not meet the statistical confidence thresholds required to predict the impact of this variant on COQ8A protein function. In summary, the available evidence is currently insufficient to determine the role of this variant in disease. Therefore, it has been classified as a Variant of Uncertain Significance. ClinVar contains an entry for this variant (Variation ID: 1464552). This variant has not been reported in the literature in individuals affected with COQ8A-related conditions. The frequency data for this variant in the population databases is considered unreliable, as metrics indicate poor data quality at this position in the gnomAD database. This sequence change replaces glycine, which is neutral and non-polar, with aspartic acid, which is acidic and polar, at codon 352 of the COQ8A protein (p.Gly352Asp).